The following is an entry in ClinVar:

ClinVar aggregate classification (germline): Pathogenic (1 of 4 stars; one submission).

Allele frequency attached by ClinVar (database versions not stated): gnomAD 0.00001.

Submission:

Labcorp Genetics (formerly Invitae), Labcorp
Classification: Pathogenic. Last evaluated: 2023-09-19. Review status: criteria provided, single submitter. Criteria: Invitae Variant Classification Sherloc (09022015). Collection method: clinical testing. Allele origin: germline.
Comment: This variant, c.387_422del, results in the deletion of 12 amino acid(s) of the TYRP1 protein (p.Arg130_Lys141del), but otherwise preserves the integrity of the reading frame. This variant is not present in population databases (gnomAD no frequency). This variant has not been reported in the literature in individuals affected with TYRP1-related conditions. This variant disrupts a region of the TYRP1 protein in which other variant(s) (p.Glu139Lys) have been determined to be pathogenic (Invitae). This suggests that this is a clinically significant region of the protein, and that variants that disrupt it are likely to be disease-causing. For these reasons, this variant has been classified as Pathogenic.

NM_000550.3(TYRP1):c.387_422del (p.Arg130_Lys141del)

Gene: TYRP1 (tyrosinase related protein 1; plus strand). Cytogenetic location: 9p23.
Variant type: Deletion.
Coding change: c.387_422del on transcript NM_000550.3 (MANE Select); coding-DNA positions 387 to 422, 36 bases deleted.
Protein change: p.Arg130_Lys141del.
Molecular consequence: inframe deletion.
Genome position (GRCh38, 1-based): chr9:12,695,516-12,695,551, 36 bases deleted. GRCh37 (hg19): chr9:12,695,516-12,695,551.
Identifiers: ClinVar variation 2791918 (VCV002791918.3), dbSNP rs1818061499, ClinGen allele CA1121430877.